The following is an entry in ClinVar:

ClinVar aggregate classification (germline): Pathogenic (1 of 4 stars; one submission).

Submission:

GeneDx
Classification: Pathogenic. Last evaluated: 2019-10-29. Review status: criteria provided, single submitter. Criteria: GeneDx Variant Classification Process June 2021. Collection method: clinical testing. Allele origin: germline. Affected: yes.
Comment: Frameshift variant predicted to result in protein truncation or nonsense mediated decay in a gene for which loss-of-function is a known mechanism of disease; Not observed in large population cohorts (Lek et al., 2016); Has not been previously published as pathogenic or benign to our knowledge

NM_001374828.1(ARID1B):c.5069_5070delinsAGT (p.Met1690fs)

Gene: ARID1B (AT-rich interaction domain 1B; plus strand). Cytogenetic location: 6q25.3.
Variant type: Indel.
Coding change: c.5069_5070delinsAGT on transcript NM_001374828.1 (MANE Select); coding-DNA positions 5069 to 5070, TG replaced by AGT.
Protein change: p.Met1690fs; shifts the reading frame from methionine 1690.
Molecular consequence: frameshift variant.
Genome position (GRCh38, 1-based): chr6:157,201,294-157,201,295, TG replaced by AGT. VCF-style: chr6-157201294-TG-AGT. GRCh37 (hg19) VCF-style: chr6-157522428-TG-AGT.
Other names: c.4700_4701delTGinsAGT (NM_020732.3); c.2570_2571delinsAGT, p.Met857fs (NM_001363725.2); c.4949_4950delinsAGT, p.Met1650fs (NM_001371656.1, NM_001374820.1); c.4910_4911delinsAGT, p.Met1637fs (NM_017519.3); c.4700_4701delinsAGT, p.Met1567fs (NM_020732.3); short protein forms M1567fs, M857fs, M1637fs, M1650fs, M1690fs.
Identifiers: ClinVar variation 503938 (VCV000503938.3), dbSNP rs1554235934, ClinGen allele CA658796862.